The following is an entry in ClinVar:

ClinVar aggregate classification (germline): Uncertain significance. Review status: criteria provided, multiple submitters, no conflicts (2 of 4 stars). 2 submissions from 2 submitters: Uncertain significance (2). Last evaluated 2021-08-11.

Conditions:
Adenylosuccinate lyase deficiency (ADSLD). Also called: ADSL DEFICIENCY. Identifiers: Orphanet 46, MedGen C0268126, MONDO:0007068, OMIM 103050.

Allele frequency attached by ClinVar (database versions not stated): gnomAD exomes below 0.00001; TOPMed below 0.00001; ExAC 0.00001.
gnomAD v4.1: 5 of 1,614,196 alleles (0.00031%); highest among the groups gnomAD compares: Non-Finnish European, 0.00042%; no homozygotes.

Submissions (2):

Labcorp Genetics (formerly Invitae), Labcorp
Classification: Uncertain significance for Adenylosuccinate lyase deficiency. Last evaluated: 2021-08-11. Review status: criteria provided, single submitter. Criteria: Invitae Variant Classification Sherloc (09022015). Collection method: clinical testing. Allele origin: germline.
Comment: In summary, the available evidence is currently insufficient to determine the role of this variant in disease. Therefore, it has been classified as a Variant of Uncertain Significance. Algorithms developed to predict the effect of missense changes on protein structure and function are either unavailable or do not agree on the potential impact of this missense change (SIFT: "Deleterious"; PolyPhen-2: "Probably Damaging"; Align-GVGD: "Class C0"). ClinVar contains an entry for this variant (Variation ID: 899934). This variant has not been reported in the literature in individuals affected with ADSL-related conditions. This variant is present in population databases (rs774693972, ExAC 0.001%). This sequence change replaces glycine with glutamic acid at codon 418 of the ADSL protein (p.Gly418Glu). The glycine residue is highly conserved and there is a moderate physicochemical difference between glycine and glutamic acid.

Illumina Laboratory Services, Illumina
Classification: Uncertain significance for Adenylosuccinate lyase deficiency. Last evaluated: 2018-01-13. Review status: criteria provided, single submitter. Criteria: ICSL Variant Classification Criteria 13 December 2019. Collection method: clinical testing. Allele origin: germline.

NM_000026.4(ADSL):c.1253G>A (p.Gly418Glu)

Gene: ADSL (adenylosuccinate lyase; plus strand). Cytogenetic location: 22q13.1.
Variant type: single nucleotide variant.
Coding change: c.1253G>A on transcript NM_000026.4 (MANE Select); coding-DNA position 1253, G replaced by A.
Protein change: p.Gly418Glu; replaces glycine 418 with glutamic acid.
Molecular consequence: missense variant. On other transcripts: non-coding transcript variant (1), intron variant (1).
Genome position (GRCh38, 1-based): chr22:40,364,941, G>A. VCF-style: chr22-40364941-G-A. GRCh37 (hg19) VCF-style: chr22-40760945-G-A.
Other names: c.1061G>A, p.Gly354Glu (NM_001317923.2); c.1253G>A, p.Gly418Glu (NM_001363840.3); c.1191+576G>A (NM_001123378.3); short protein forms G418E, G354E.
Identifiers: ClinVar variation 899934 (VCV000899934.9), dbSNP rs774693972, ClinGen allele CA10247971.